The following is an entry in ClinVar:

NM_003482.4(KMT2D):c.4985G>A (p.Cys1662Tyr)

Gene: KMT2D (lysine methyltransferase 2D; minus strand). Cytogenetic location: 12q13.12.
Variant type: single nucleotide variant.
Coding change: c.4985G>A on transcript NM_003482.4 (MANE Select); coding-DNA position 4985, G replaced by A.
Protein change: p.Cys1662Tyr; replaces cysteine 1662 with tyrosine.
Molecular consequence: missense variant.
Genome position (GRCh38, 1-based): chr12:49,044,501, C>T on the plus strand (G>A on the coding strand, the complement: KMT2D is on the minus strand). VCF-style: chr12-49044501-C-T. GRCh37 (hg19) VCF-style: chr12-49438284-C-T.
Other names: short protein forms C1662Y.
Identifiers: ClinVar variation 3009881 (VCV003009881.4), dbSNP rs1943695200, ClinGen allele CA384638790.

ClinVar aggregate classification (germline): Uncertain significance. Review status: criteria provided, multiple submitters, no conflicts (2 of 4 stars). 2 submissions from 2 submitters: Uncertain significance (2). Last evaluated 2026-01-26.

Conditions:
Kabuki syndrome. Also called: Kabuki make-up syndrome; NIIKAWA-KUROKI SYNDROME. Identifiers: Orphanet 2322, MedGen C0796004, MONDO:0016512.
KMT2D-related disorder. Also called: KMT2D-Related Disorders.

Submissions (2):

PreventionGenetics, part of Exact Sciences
Classification: Uncertain significance for KMT2D-related condition. Last evaluated: 2026-01-26. Review status: criteria provided, single submitter. Criteria: ACMG Guidelines, 2015. Collection method: clinical testing. Allele origin: germline.
Comment: The KMT2D c.4985G>A variant is predicted to result in the amino acid substitution p.Cys1662Tyr. To our knowledge, this variant has not been reported in the literature or in a large population database (gnomAD), indicating this variant is rare. At this time, the clinical significance of this variant is uncertain due to the absence of conclusive functional and genetic evidence.

Labcorp Genetics (formerly Invitae), Labcorp
Classification: Uncertain significance for Kabuki syndrome. Last evaluated: 2024-09-18. Review status: criteria provided, single submitter. Criteria: Invitae Variant Classification Sherloc (09022015). Collection method: clinical testing. Allele origin: germline.
Comment: This sequence change replaces cysteine, which is neutral and slightly polar, with tyrosine, which is neutral and polar, at codon 1662 of the KMT2D protein (p.Cys1662Tyr). This variant is not present in population databases (gnomAD no frequency). This variant has not been reported in the literature in individuals affected with KMT2D-related conditions. Invitae Evidence Modeling of protein sequence and biophysical properties (such as structural, functional, and spatial information, amino acid conservation, physicochemical variation, residue mobility, and thermodynamic stability) has been performed for this missense variant. However, the output from this modeling did not meet the statistical confidence thresholds required to predict the impact of this variant on KMT2D protein function. In summary, the available evidence is currently insufficient to determine the role of this variant in disease. Therefore, it has been classified as a Variant of Uncertain Significance.